The following is an entry in ClinVar:

NM_004614.5(TK2):c.699+6_699+9del

Gene: TK2 (thymidine kinase 2; minus strand). Cytogenetic location: 16q21.
Variant type: Microsatellite.
Coding change: c.699+6_699+9del on transcript NM_004614.5 (MANE Select); bases 6 to 9 of the intron after coding-DNA position 699, 4 bases deleted (TAAG; older notation c.699+6_699+9delTAAG).
Molecular consequence: splice donor variant.
Genome position (GRCh38, 1-based): chr16:66,513,722-66,513,725, CTTA deleted on the plus strand (TAAG on the coding strand, the reverse complement: TK2 is on the minus strand); deleting any 4 consecutive bases within chr16:66,513,722-66,513,730 gives the same sequence; the c. name uses the placement nearest the transcript's 3' end. VCF-style (leftmost placement, unchanged base first): chr16-66513721-TCTTA-T. GRCh37 (hg19) VCF-style: chr16-66547624-TCTTA-T.
Other names: c.699+6_699+9delTAAG (NM_004614.4); c.437+6_437+9del (NM_001271935.1); c.606+6_606+9del (NM_001172643.1); c.624+6_624+9del (NM_001172644.2); c.645+6_645+9del (NM_001172645.2); c.552+6_552+9del (NM_001271934.2); c.408+6_408+9del (NM_001272050.2).
Identifiers: ClinVar variation 225491 (VCV000225491.10), dbSNP rs529176585, ClinGen allele CA8093581.
Genomic context (GRCh38, chr16:66,513,721, plus strand): 5'-GTGGCTGACATTCCCCGGGTCACTCCTCTTTCTAGAACAGTCTCGTACCCTGTAAGGGAG[TCTTA>T]CTTACCAGAACAGGGGCTGCCATGGGGAAAAGGCTGCCTTTGATGAGCCACTCCTCATGG-3'

ClinVar aggregate classification (germline): Conflicting classifications of pathogenicity. Review status: criteria provided, conflicting classifications (1 of 4 stars). 4 submissions from 4 submitters: Uncertain significance (1); Benign (1); Likely benign (2). Last evaluated 2026-01-11.

Conditions:
Mitochondrial DNA depletion syndrome, myopathic form (MTDPS2). Also called: TK2-Related Mitochondrial DNA Maintenance Defect, Myopathic Form; MITOCHONDRIAL DNA DEPLETION SYNDROME 2 (MYOPATHIC TYPE); MITOCHONDRIAL DNA DEPLETION MYOPATHY, TK2-RELATED. Identifiers: Orphanet 254875, MedGen C3149750, MONDO:0012301, OMIM 609560.

Submissions (4):

Labcorp Genetics (formerly Invitae), Labcorp
Classification: Benign. Last evaluated: 2026-01-11. Review status: criteria provided, single submitter. Criteria: Invitae Variant Classification Sherloc (09022015). Collection method: clinical testing. Allele origin: germline.

Blueprint Genetics
Classification: Likely benign. Last evaluated: 2024-11-07. Review status: criteria provided, single submitter. Criteria: ACMG Guidelines, 2015. Collection method: clinical testing. Allele origin: germline.

GeneDx
Classification: Likely benign. Last evaluated: 2024-02-21. Review status: criteria provided, single submitter. Criteria: GeneDx Variant Classification Process June 2021. Collection method: clinical testing. Allele origin: germline. Affected: yes.
Comment: See Variant Classification Assertion Criteria.

Soonchunhyang University Bucheon Hospital, Soonchunhyang University Medical Center
Classification: Uncertain significance for Mitochondrial DNA depletion syndrome, myopathic form. Last evaluated: 2016-03-18. Review status: criteria provided, single submitter. Criteria: ACMG Guidelines, 2015. Collection method: reference population. Allele origin: germline. Observed: 1 variant allele.

Literature cited by the submitters: PubMed 20123860 (cited by Soonchunhyang University Bucheon Hospital, Soonchunhyang University Medical Center).